The following is an entry in ClinVar:

NM_000431.4(MVK):c.511G>A (p.Gly171Arg)

Gene: MVK (mevalonate kinase; plus strand). Cytogenetic location: 12q24.11.
Variant type: single nucleotide variant.
Coding change: c.511G>A on transcript NM_000431.4 (MANE Select); coding-DNA position 511, G replaced by A.
Protein change: p.Gly171Arg; replaces glycine 171 with arginine.
Molecular consequence: missense variant. On other transcripts: intron variant (1).
Genome position (GRCh38, 1-based): chr12:109,581,534, G>A. VCF-style: chr12-109581534-G-A. GRCh37 (hg19) VCF-style: chr12-110019339-G-A.
Other names: c.511G>A, p.Gly171Arg (NM_001114185.3); c.371+1588G>A (NM_001301182.2); short protein forms G171R.
Identifiers: ClinVar variation 97595 (VCV000097595.11), dbSNP rs104895337, ClinGen allele CA149840.

ClinVar aggregate classification (germline): Uncertain significance. Review status: criteria provided, multiple submitters, no conflicts (2 of 4 stars). 5 submissions from 5 submitters: Uncertain significance (4). 1 of the submissions does not count toward it. Last evaluated 2025-08-29.

Conditions:
Deficiency of mevalonate kinase. Also called: Mevalonate kinase deficiency. Identifiers: Orphanet 309025, MedGen C0342731, MONDO:0017708.
Porokeratosis 3, disseminated superficial actinic type (POROK3). Also called: POROKERATOSIS, DISSEMINATED SUPERFICIAL ACTINIC, 1; POROKERATOSIS 3, MULTIPLE TYPES; POROKERATOSIS 3, MIBELLI TYPE. Identifiers: MedGen C1867981, MONDO:0008293, OMIM 175900.
Mevalonic aciduria (MEVA). Identifiers: Orphanet 29, MedGen C1959626, MONDO:0012481, OMIM 610377.
Hyperimmunoglobulin D with periodic fever (HIDS). Also called: HYPERIMMUNOGLOBULINEMIA D AND PERIODIC FEVER SYNDROME; Hyperimmunoglobulinemia D with periodic fever; Hyperimmunoglobulinemia D. Identifiers: Orphanet 343, MedGen C0398691, MONDO:0009849, OMIM 260920.

Allele frequency attached by ClinVar (database versions not stated): ExAC 0.00001; gnomAD 0.00001; gnomAD exomes 0.00002; TOPMed 0.00002; 1000 Genomes Project 0.00020; 1000 Genomes Project 30x 0.00031.

Submissions (5):

Myriad Genetics, Inc.
Classification: Uncertain significance for Deficiency of mevalonate kinase. Last evaluated: 2025-08-29. Review status: criteria provided, single submitter. Criteria: Myriad Autosomal Dominant, Autosomal Recessive and X-Linked Classification Criteria (2023). Collection method: clinical testing. Allele origin: unknown.
Comment: NM_000431.2(MVK):c.511G>A(G171R) is a missense variant classified as a variant of uncertain significance in the context of mevalonate kinase deficiency. G171R has been observed in cases with relevant disease (PMID: 15536479, 21478439). Relevant functional assessments of this variant are not available in the literature. G171R has been observed in referenced population frequency databases. In summary, there is insufficient evidence to classify NM_000431.2(MVK):c.511G>A(G171R) as pathogenic or benign. Please note: this variant was assessed in the context of healthy population screening.

Labcorp Genetics (formerly Invitae), Labcorp
Classification: Uncertain significance for Mevalonic aciduria; Hyperimmunoglobulin D with periodic fever; Porokeratosis 3, disseminated superficial actinic type. Last evaluated: 2025-01-23. Review status: criteria provided, single submitter. Criteria: Invitae Variant Classification Sherloc (09022015). Collection method: clinical testing. Allele origin: germline.
Comment: This sequence change replaces glycine, which is neutral and non-polar, with arginine, which is basic and polar, at codon 171 of the MVK protein (p.Gly171Arg). This variant is present in population databases (rs104895337, gnomAD 0.006%). This missense change has been observed in individuals with hyper-IgD and periodic fever syndrome (PMID: 15536479, 21478439). ClinVar contains an entry for this variant (Variation ID: 97595). An algorithm developed to predict the effect of missense changes on protein structure and function outputs the following: PolyPhen-2: "Benign". The arginine amino acid residue is found in multiple mammalian species, which suggests that this missense change does not adversely affect protein function. In summary, the available evidence is currently insufficient to determine the role of this variant in disease. Therefore, it has been classified as a Variant of Uncertain Significance.

Blueprint Genetics
Classification: Uncertain significance. Last evaluated: 2024-10-11. Review status: criteria provided, single submitter. Criteria: ACMG Guidelines, 2015. Collection method: clinical testing. Allele origin: germline.

Fulgent Genetics
Classification: Uncertain significance for Porokeratosis 3, disseminated superficial actinic type; Hyperimmunoglobulin D with periodic fever; Mevalonic aciduria. Last evaluated: 2021-07-27. Review status: criteria provided, single submitter. Criteria: ACMG Guidelines, 2015. Collection method: clinical testing. Allele origin: unknown.

Unité médicale des maladies autoinflammatoires, CHRU Montpellier
No classification provided. Condition: Hyperimmunoglobulin D with periodic fever. Review status: no classification provided. Collection method: not provided. Allele origin: unknown. Not counted in ClinVar's aggregate classification.
Comment: also involved in OMIM 25117

Literature cited by the submitters: PubMed 15536479 (cited by Myriad Genetics, Inc. and Labcorp Genetics (formerly Invitae), Labcorp); PubMed 21478439 (cited by Myriad Genetics, Inc. and Labcorp Genetics (formerly Invitae), Labcorp).